The following is an entry in ClinVar:

NM_001384732.1(CPLANE1):c.7990_7991del (p.Pro2664fs)

Gene: CPLANE1 (ciliogenesis and planar polarity effector complex subunit 1; minus strand). Cytogenetic location: 5p13.2.
Variant type: Deletion.
Coding change: c.7990_7991del on transcript NM_001384732.1 (MANE Select); coding-DNA positions 7990 to 7991, 2 bases deleted (CC; older notation c.7990_7991delCC).
Protein change: p.Pro2664fs; shifts the reading frame from proline 2664.
Molecular consequence: frameshift variant.
Genome position (GRCh38, 1-based): chr5:37,157,690-37,157,691, GG deleted on the plus strand (CC on the coding strand, the reverse complement: CPLANE1 is on the minus strand); deleting any 2 consecutive bases within chr5:37,157,690-37,157,694 gives the same sequence; the c. name uses the placement nearest the transcript's 3' end. VCF-style (leftmost placement, unchanged base first): chr5-37157689-TGG-T. GRCh37 (hg19) VCF-style: chr5-37157791-TGG-T.
Other names: c.7936_7937delCC (NM_023073.3); c.7936_7937del, p.Pro2646fs (NM_023073.4); short protein forms P2646fs, P2664fs.
Identifiers: ClinVar variation 473149 (VCV000473149.8), dbSNP rs1554068790, ClinGen allele CA658655861.

ClinVar aggregate classification (germline): Pathogenic (1 of 4 stars; one submission).

Submission:

Labcorp Genetics (formerly Invitae), Labcorp
Classification: Pathogenic. Last evaluated: 2017-06-22. Review status: criteria provided, single submitter. Criteria: Invitae Variant Classification Sherloc (09022015). Collection method: clinical testing. Allele origin: germline.
Comment: This sequence change deletes 2 nucleotides from exon 40 of the C5orf42 mRNA (c.7936_7937delCC), causing a frameshift at codon 2646. This creates a premature translational stop signal (p.Pro2646Thrfs*2) and is expected to result in an absent or disrupted protein product. While this particular variant has not been reported in the literature, loss-of-function variants in C5orf42 are known to be pathogenic (PMID: 22425360). For these reasons, this variant has been classified as Pathogenic.

Literature cited by the submitters: PubMed 22425360.